The following is an entry in ClinVar:

ClinVar aggregate classification (germline): Uncertain significance (1 of 4 stars; one submission).

Conditions:
Cardiovascular phenotype. Identifiers: MedGen CN230736.

Submission:

Ambry Genetics
Classification: Uncertain significance for Cardiovascular phenotype. Last evaluated: 2024-02-26. Review status: criteria provided, single submitter. Criteria: Ambry Variant Classification Scheme 2023. Collection method: clinical testing. Allele origin: germline.
Comment: The p.V76E variant (also known as c.227T>A), located in coding exon 2 of the MYH7 gene, results from a T to A substitution at nucleotide position 227. The valine at codon 76 is replaced by glutamic acid, an amino acid with dissimilar properties. This amino acid position is not well conserved in available vertebrate species. In addition, this alteration is predicted to be deleterious by in silico analysis. Based on the available evidence, the clinical significance of this alteration remains unclear.

NM_000257.4(MYH7):c.227T>A (p.Val76Glu)

Gene: MYH7 (myosin heavy chain 7; minus strand). Cytogenetic location: 14q11.2.
Variant type: single nucleotide variant.
Coding change: c.227T>A on transcript NM_000257.4 (MANE Select); coding-DNA position 227, T replaced by A.
Protein change: p.Val76Glu; replaces valine 76 with glutamic acid.
Molecular consequence: missense variant.
Genome position (GRCh38, 1-based): chr14:23,433,202, A>T on the plus strand (T>A on the coding strand, the complement: MYH7 is on the minus strand). VCF-style: chr14-23433202-A-T. GRCh37 (hg19) VCF-style: chr14-23902411-A-T.
Other names: c.227T>A, p.Val76Glu (NM_001407004.1); short protein forms V76E.
Identifiers: ClinVar variation 3230900 (VCV003230900.1), dbSNP rs1595091109, ClinGen allele CA389053443.